The following is an entry in ClinVar:

ClinVar aggregate classification (germline): Likely benign (1 of 4 stars; one submission).

Submission:

CeGaT Center for Human Genetics Tuebingen
Classification: Likely benign. Last evaluated: 2026-02-01. Review status: criteria provided, single submitter. Criteria: CeGaT Center For Human Genetics Tuebingen Variant Classification Criteria Version 2. Collection method: clinical testing. Allele origin: germline. Affected: yes. Observed: 1 variant allele.
Comment: CNTNAP3B: PM2:Supporting, BP4, BP7

NM_001201380.3(CNTNAP3B):c.1536C>T (p.Gly512=)

Gene: CNTNAP3B (contactin associated protein family member 3B; minus strand). Cytogenetic location: 9p11.2.
Variant type: single nucleotide variant.
Coding change: c.1536C>T on transcript NM_001201380.3 (MANE Select); coding-DNA position 1536, C replaced by T.
Protein change: p.Gly512=; no amino-acid change (glycine 512 retained).
Molecular consequence: synonymous variant.
Genome position (GRCh38, 1-based): chr9:41,970,187, G>A on the plus strand (C>T on the coding strand, the complement: CNTNAP3B is on the minus strand). VCF-style: chr9-41970187-G-A. GRCh37 (hg19) VCF-style: chr9-43844202-C-T.
Identifiers: ClinVar variation 4820855 (VCV004820855.4).